The following is an entry in ClinVar:

NM_003002.4(SDHD):c.270G>A (p.Ala90=)

Gene: SDHD (succinate dehydrogenase complex subunit D; plus strand). Cytogenetic location: 11q23.1.
Variant type: single nucleotide variant.
Coding change: c.270G>A on transcript NM_003002.4 (MANE Select); coding-DNA position 270, G replaced by A.
Protein change: p.Ala90=; no amino-acid change (alanine 90 retained).
Molecular consequence: synonymous variant. On other transcripts: non-coding transcript variant (1), intron variant (1).
Genome position (GRCh38, 1-based): chr11:112,088,967, G>A. VCF-style: chr11-112088967-G-A. GRCh37 (hg19) VCF-style: chr11-111959691-G-A.
Other names: c.153G>A, p.Ala51= (NM_001276504.2); c.270G>A, p.Ala90= (NM_001276506.2); c.169+994G>A (NM_001276503.2).
Identifiers: ClinVar variation 417306 (VCV000417306.20), dbSNP rs766656463, ClinGen allele CA070979.

ClinVar aggregate classification (germline): Benign/Likely benign. Review status: criteria provided, multiple submitters, no conflicts (2 of 4 stars). 5 submissions from 5 submitters: Benign (1); Likely benign (4). Last evaluated 2025-10-29.

Conditions:
Paragangliomas with sensorineural hearing loss. Identifiers: MedGen C1868633.
Pheochromocytoma. Also called: MAX-Related Hereditary Paraganglioma-Pheochromocytoma Syndrome. Identifiers: Orphanet 29072, MedGen C0031511, MONDO:0008233, OMIM 171300, HP:0002666.
Cowden syndrome 3 (CWS3). Identifiers: Orphanet 201, MedGen CN166604, MONDO:0014045.
Carney-Stratakis syndrome. Also called: PARAGANGLIOMA AND GASTROINTESTINAL STROMAL TUMOR. Identifiers: Orphanet 97286, MedGen C1847319, MONDO:0011740, OMIM 606864.
Hereditary cancer-predisposing syndrome. Also called: Neoplastic Syndromes, Hereditary; Hereditary neoplastic syndrome; Tumor predisposition; Hereditary Cancer Syndrome. Identifiers: Orphanet 140162, MedGen C0027672, MeSH D009386, MONDO:0015356.
Hereditary pheochromocytoma and paraganglioma. Also called: Hereditary Paraganglioma-Pheochromocytoma Syndromes; Hereditary paragangliomas and pheochromocytomas; Hereditary pheochromocytoma-paraganglioma. Identifiers: Orphanet 29072, MedGen C4274332, MONDO:0017366.
Pheochromocytoma/paraganglioma syndrome 1. Also called: Paragangliomas 1; Glomus tumors familial 1; Paraganglioma - glomus jugulare; SDHD-Related Hereditary Paraganglioma-Pheochromocytoma Syndrome; PARAGANGLIOMAS, FAMILIAL NONCHROMAFFIN, 1; PGL 1. Identifiers: Orphanet 29072, MedGen C3494181, MONDO:0008192, OMIM 168000.

Allele frequency attached by ClinVar (database versions not stated): gnomAD 0.00001; TOPMed 0.00001.
gnomAD v4.1: 19 of 1,614,122 alleles (0.0012%); highest among the groups gnomAD compares: East Asian, 0.02%; no homozygotes.

Submissions (5):

Labcorp Genetics (formerly Invitae), Labcorp
Classification: Likely benign for Carney-Stratakis syndrome; Paragangliomas with sensorineural hearing loss; Pheochromocytoma; Cowden syndrome 3. Last evaluated: 2025-10-29. Review status: criteria provided, single submitter. Criteria: Invitae Variant Classification Sherloc (09022015). Collection method: clinical testing. Allele origin: germline.

Color Diagnostics, LLC DBA Color Health
Classification: Likely benign for Hereditary pheochromocytoma and paraganglioma. Last evaluated: 2025-05-30. Review status: criteria provided, single submitter. Criteria: ACMG Guidelines, 2015. Collection method: clinical testing. Allele origin: germline.

Myriad Genetics, Inc.
Classification: Benign for Pheochromocytoma/paraganglioma syndrome 1. Last evaluated: 2025-03-17. Review status: criteria provided, single submitter. Criteria: Myriad Autosomal Dominant, Autosomal Recessive and X-Linked Classification Criteria (2023). Collection method: clinical testing. Allele origin: unknown.
Comment: This variant is considered benign. This variant is a silent/synonymous amino acid change and it is not expected to impact splicing.

Center for Genomic Medicine, Rigshospitalet, Copenhagen University Hospital
Classification: Likely benign. Last evaluated: 2025-03-04. Review status: criteria provided, single submitter. Criteria: ACMG Guidelines, 2015. Collection method: clinical testing. Allele origin: germline.

Ambry Genetics
Classification: Likely benign for Hereditary cancer-predisposing syndrome. Last evaluated: 2018-03-19. Review status: criteria provided, single submitter. Criteria: Ambry Variant Classification Scheme 2023. Collection method: clinical testing. Allele origin: germline.